The following is an entry in ClinVar:

NM_004370.6(COL12A1):c.2923G>A (p.Val975Ile)

Gene: COL12A1 (collagen type XII alpha 1 chain; minus strand). Cytogenetic location: 6q13.
Variant type: single nucleotide variant.
Coding change: c.2923G>A on transcript NM_004370.6 (MANE Select); coding-DNA position 2923, G replaced by A.
Protein change: p.Val975Ile; replaces valine 975 with isoleucine.
Molecular consequence: missense variant. On other transcripts: intron variant (2).
Genome position (GRCh38, 1-based): chr6:75,165,567, C>T on the plus strand (G>A on the coding strand, the complement: COL12A1 is on the minus strand). VCF-style: chr6-75165567-C-T. GRCh37 (hg19) VCF-style: chr6-75875283-C-T.
Other names: c.2923G>A, p.Val975Ile (NM_001424113.1, NM_001424114.1); c.2650G>A, p.Val884Ile (NM_001424115.1); c.74-13085G>A (NM_001424116.1, NM_080645.3); short protein forms V884I, V975I.
Identifiers: ClinVar variation 3758271 (VCV003758271.2).
Genomic context (GRCh38, chr6:75,165,567, plus strand): 5'-ATTCAGTTGTGGCATCTCCAGTCAAAGGTTCTCCTTCTCCACTGCTGTAAGTGGCAAATA[C>T]TGAAATTCTGTATTTGGTCTCTGGCTGCAGATTTTCTATCATCGTATGAATTGCATCTTC-3'
Protein context (NP_004361.3, residues 965-985): LQPETKYRIS[Val975Ile]FATYSSGEGE

ClinVar aggregate classification (germline): Uncertain significance (1 of 4 stars; one submission).

Conditions:
Ullrich congenital muscular dystrophy 2 (UCMD2). Identifiers: Orphanet 75840, MedGen C4225314, MONDO:0014654, OMIM 616470.
Bethlem myopathy 2 (BTHLM2). Identifiers: Orphanet 536516, Orphanet 610, MedGen C4225313, MONDO:0034022, OMIM 616471.

Submission:

Labcorp Genetics (formerly Invitae), Labcorp
Classification: Uncertain significance for Bethlem myopathy 2; Ullrich congenital muscular dystrophy 2. Last evaluated: 2025-04-26. Review status: criteria provided, single submitter. Criteria: Invitae Variant Classification Sherloc (09022015). Collection method: clinical testing. Allele origin: germline.
Comment: This sequence change replaces valine, which is neutral and non-polar, with isoleucine, which is neutral and non-polar, at codon 975 of the COL12A1 protein (p.Val975Ile). This variant is not present in population databases (gnomAD no frequency). This variant has not been reported in the literature in individuals affected with COL12A1-related conditions. ClinVar contains an entry for this variant (Variation ID: 3758271). Invitae Evidence Modeling of protein sequence and biophysical properties (such as structural, functional, and spatial information, amino acid conservation, physicochemical variation, residue mobility, and thermodynamic stability) indicates that this missense variant is not expected to disrupt COL12A1 protein function with a negative predictive value of 80%. In summary, the available evidence is currently insufficient to determine the role of this variant in disease. Therefore, it has been classified as a Variant of Uncertain Significance.